The following is an entry in ClinVar:

ClinVar aggregate classification (germline): Pathogenic. Review status: criteria provided, multiple submitters, no conflicts (2 of 4 stars). 2 submissions from 2 submitters: Pathogenic (2). Last evaluated 2024-01-04.

Conditions:
Autosomal recessive nonsyndromic hearing loss 3. Also called: NEUROSENSORY NONSYNDROMIC RECESSIVE DEAFNESS 3. Identifiers: Orphanet 90636, MedGen C1838263, MONDO:0010860, OMIM 600316.

gnomAD v4.1: 1 of 1,613,430 alleles (0.000062%); highest among the groups gnomAD compares: South Asian, 0.0011%; no homozygotes.

Submissions (2):

Labcorp Genetics (formerly Invitae), Labcorp
Classification: Pathogenic. Last evaluated: 2024-01-04. Review status: criteria provided, single submitter. Criteria: Invitae Variant Classification Sherloc (09022015). Collection method: clinical testing. Allele origin: germline.
Comment: This sequence change creates a premature translational stop signal (p.Tyr1891*) in the MYO15A gene. It is expected to result in an absent or disrupted protein product. Loss-of-function variants in MYO15A are known to be pathogenic (PMID: 17546645). This variant is not present in population databases (gnomAD no frequency). This premature translational stop signal has been observed in individual(s) with deafness (PMID: 34374074). ClinVar contains an entry for this variant (Variation ID: 973491). For these reasons, this variant has been classified as Pathogenic.

Hereditary Hearing Loss Research Unit, University of Madras
Classification: Pathogenic for Autosomal recessive nonsyndromic hearing loss 3. Review status: criteria provided, single submitter. Criteria: ACMG Guidelines, 2015. Collection method: case-control. Allele origin: germline. Inheritance: Autosomal recessive inheritance. Affected: yes. Observed: 2 variant alleles, 2 compound heterozygotes. Clinical features observed: Deafness, autosomal recessive 3.
Comment: The variant p.Y1981X was observed along with another MYO15A variant p.L1485P, in compound heterozygous state, in the affected individuals. Hence, reporting this heterozygous variant in Autosomal recessive Hearing Loss.

Literature cited by the submitters: PubMed 17546645 (cited by Labcorp Genetics (formerly Invitae), Labcorp); PubMed 34374074 (cited by Labcorp Genetics (formerly Invitae), Labcorp).

NM_016239.4(MYO15A):c.5673C>G (p.Tyr1891Ter)

Gene: MYO15A (myosin XVA; plus strand). Cytogenetic location: 17p11.2.
Variant type: single nucleotide variant.
Coding change: c.5673C>G on transcript NM_016239.4 (MANE Select); coding-DNA position 5673, C replaced by G.
Protein change: p.Tyr1891Ter; replaces tyrosine 1891 with a stop codon.
Molecular consequence: nonsense.
Genome position (GRCh38, 1-based): chr17:18,142,102, C>G. VCF-style: chr17-18142102-C-G. GRCh37 (hg19) VCF-style: chr17-18045416-C-G.
Other names: short protein forms Y1891*.
Identifiers: ClinVar variation 973491 (VCV000973491.5), dbSNP rs2046392476, ClinGen allele CA398603189.